The following is an entry in ClinVar:

ClinVar aggregate classification (germline): Likely benign. Review status: criteria provided, multiple submitters, no conflicts (2 of 4 stars). 2 submissions from 2 submitters: Likely benign (2). Last evaluated 2025-06-16.

Conditions:
ITGA2B-related disorder. Also called: ITGA2B-related disorders; ITGA2B-related condition.
Glanzmann thrombasthenia. Also called: THROMBASTHENIA OF GLANZMANN AND NAEGELI; PLATELET GLYCOPROTEIN IIb-IIIa DEFICIENCY; Thrombasthenia; Glanzmann's thrombasthenia. Identifiers: Orphanet 849, MedGen C0040015, MONDO:0100326.

Allele frequency attached by ClinVar (database versions not stated): TOPMed 0.00001; gnomAD exomes 0.00002; ExAC 0.00003.
gnomAD v4.1: 27 of 1,579,604 alleles (0.0017%); highest among the groups gnomAD compares: Middle Eastern, 0.017%; no homozygotes.

Submissions (2):

PreventionGenetics, part of Exact Sciences
Classification: Likely benign for ITGA2B-related condition. Last evaluated: 2025-06-16. Review status: criteria provided, single submitter. Criteria: ACMG Guidelines, 2015. Collection method: clinical testing. Allele origin: germline.
Comment: This variant is classified as likely benign based on ACMG/AMP sequence variant interpretation guidelines (Richards et al. 2015 PMID: 25741868, with internal and published modifications).

Labcorp Genetics (formerly Invitae), Labcorp
Classification: Likely benign for Glanzmann thrombasthenia. Last evaluated: 2024-01-11. Review status: criteria provided, single submitter. Criteria: Invitae Variant Classification Sherloc (09022015). Collection method: clinical testing. Allele origin: germline.

NM_000419.5(ITGA2B):c.2199G>A (p.Ala733=)

Gene: ITGA2B (integrin subunit alpha 2b; minus strand). Cytogenetic location: 17q21.31.
Variant type: single nucleotide variant.
Coding change: c.2199G>A on transcript NM_000419.5 (MANE Select); coding-DNA position 2199, G replaced by A.
Protein change: p.Ala733=; no amino-acid change (alanine 733 retained).
Molecular consequence: synonymous variant.
Genome position (GRCh38, 1-based): chr17:44,377,077, C>T on the plus strand (G>A on the coding strand, the complement: ITGA2B is on the minus strand). VCF-style: chr17-44377077-C-T. GRCh37 (hg19) VCF-style: chr17-42454445-C-T.
Other names: c.2199G>A (NM_000419.4).
Identifiers: ClinVar variation 2761022 (VCV002761022.4), dbSNP rs747199130, ClinGen allele CA8602781.